The following is an entry in ClinVar:

NM_152703.5(SAMD9L):c.2345T>G (p.Ile782Ser)

Gene: SAMD9L (sterile alpha motif domain containing 9 like; minus strand). Cytogenetic location: 7q21.2.
Variant type: single nucleotide variant.
Coding change: c.2345T>G on transcript NM_152703.5 (MANE Select); coding-DNA position 2345, T replaced by G.
Protein change: p.Ile782Ser; replaces isoleucine 782 with serine.
Molecular consequence: missense variant.
Genome position (GRCh38, 1-based): chr7:93,133,627, A>C on the plus strand (T>G on the coding strand, the complement: SAMD9L is on the minus strand). VCF-style: chr7-93133627-A-C. GRCh37 (hg19) VCF-style: chr7-92762940-A-C.
Other names: c.2345T>G (NM_152703.2); c.2345T>G, p.Ile782Ser (NM_001350085.2, NM_001303496.3, NM_001303497.3 and 5 more transcripts); short protein forms I782S.
Identifiers: ClinVar variation 3594951 (VCV003594951.2).
Genomic context (GRCh38, chr7:93,133,627, plus strand): 5'-ACAAGGAGAAGCACAGGAATGTAATCCTGATGGCTCTTTGCCCTATAGGTGACCAGATTG[A>C]TCACTTGCTCTGCAATTTCTGCAAAATCAGTTGTCTTGTTTTTTAACACAGCACATCTGA-3'
Protein context (NP_689916.2, residues 772-792): TDFAEIAEQV[Ile782Ser]NLVTYRAKSH

ClinVar aggregate classification (germline): Uncertain significance. Review status: criteria provided, multiple submitters, no conflicts (2 of 4 stars). 2 submissions from 2 submitters: Uncertain significance (2). Last evaluated 2026-08-29.

Conditions:
Monosomy 7 myelodysplasia and leukemia syndrome 1. Also called: Familial Mosaic Monosomy 7 Syndrome; Monosomy 7 of bone marrow; CHROMOSOME 7q DELETION. Identifiers: MedGen C1854978, MONDO:0009646, OMIM 252270.
Ataxia-pancytopenia syndrome (ATXPC). Also called: SAMD9L Ataxia-Pancytopenia Syndrome; SAMD9L-Related Syndrome. Identifiers: Orphanet 2585, MedGen C1327919, MONDO:0008038, OMIM 159550.
Spinocerebellar ataxia 49 (SCA49). Identifiers: Orphanet 631106, MedGen C5676950, MONDO:0030805, OMIM 619806.
Inborn genetic diseases. Identifiers: MedGen C0950123, MeSH D030342.

Submissions (2):

Ambry Genetics
Classification: Uncertain significance for Inborn genetic diseases. Last evaluated: 2026-08-29. Review status: criteria provided, single submitter. Criteria: Ambry Variant Classification Scheme 2023. Collection method: clinical testing. Allele origin: germline.
Comment: The p.I782S variant (also known as c.2345T>G), located in coding exon 1 of the SAMD9L gene, results from a T to G substitution at nucleotide position 2345. The isoleucine at codon 782 is replaced by serine, an amino acid with dissimilar properties. This amino acid position is conserved. In addition, this alteration is predicted to be tolerated by in silico analysis. Based on the available evidence, the clinical significance of this variant remains unclear.

Fulgent Genetics
Classification: Uncertain significance for Ataxia-pancytopenia syndrome; Monosomy 7 myelodysplasia and leukemia syndrome 1; Spinocerebellar ataxia 49. Last evaluated: 2024-05-25. Review status: criteria provided, single submitter. Criteria: ACMG Guidelines, 2015. Collection method: clinical testing. Allele origin: germline.